The following is an entry in ClinVar:

NM_006565.4(CTCF):c.439C>T (p.Leu147Phe)

Gene: CTCF (CCCTC-binding factor; plus strand). Cytogenetic location: 16q22.1.
Variant type: single nucleotide variant.
Coding change: c.439C>T on transcript NM_006565.4 (MANE Select); coding-DNA position 439, C replaced by T.
Protein change: p.Leu147Phe; replaces leucine 147 with phenylalanine.
Molecular consequence: missense variant. On other transcripts: intron variant (1).
Genome position (GRCh38, 1-based): chr16:67,611,271, C>T. VCF-style: chr16-67611271-C-T. GRCh37 (hg19) VCF-style: chr16-67645174-C-T.
Other names: c.439C>T, p.Leu147Phe (NM_001363916.2); c.-32-5474C>T (NM_001191022.2); short protein forms L147F.
Identifiers: ClinVar variation 2444699 (VCV002444699.1), dbSNP rs933470800, ClinGen allele CA283163927.

ClinVar aggregate classification (germline): Uncertain significance (1 of 4 stars; one submission).

Allele frequency attached by ClinVar (database versions not stated): gnomAD exomes below 0.00001; TOPMed 0.00001; gnomAD 0.00002.
gnomAD v4.1: 4 of 1,613,982 alleles (0.00025%); highest among the groups gnomAD compares: African/African-American, 0.0027%; no homozygotes.

Submission:

GeneDx
Classification: Uncertain significance. Last evaluated: 2022-09-14. Review status: criteria provided, single submitter. Criteria: GeneDx Variant Classification Process June 2021. Collection method: clinical testing. Allele origin: germline. Affected: yes.
Comment: In silico analysis supports that this missense variant does not alter protein structure/function; Has not been previously published as pathogenic or benign to our knowledge